The following is an entry in ClinVar:

ClinVar aggregate classification (germline): Likely benign. Review status: criteria provided, multiple submitters, no conflicts (2 of 4 stars). 3 submissions from 3 submitters: Likely benign (3). Last evaluated 2026-03-01.

Conditions:
Hereditary spastic paraplegia 30. Identifiers: Orphanet 101010, MedGen C5235139, MONDO:0012476.
Neuropathy, hereditary sensory, type 2C. Also called: Hereditary sensory and autonomic neuropathy type IIC; KIF1A-Related HSAN2 (HSAN2C). Identifiers: Orphanet 970, MedGen C3280168, MONDO:0013634, OMIM 614213.
Intellectual disability, autosomal dominant 9 (NESCAVS). Also called: KIF1A-Related Neurodevelopmental Disorder; NESCAV SYNDROME. Identifiers: Orphanet 662367, MedGen C5393830, MONDO:0013656, OMIM 614255.
Inborn genetic diseases. Identifiers: MedGen C0950123, MeSH D030342.

Allele frequency attached by ClinVar (database versions not stated): gnomAD 0.00001; gnomAD exomes 0.00002 and 0.00003; ExAC 0.00003; TOPMed 0.00005.
gnomAD v4.1: 42 of 1,612,324 alleles (0.0026%); highest among the groups gnomAD compares: East Asian, 0.045%; no homozygotes.

Submissions (3):

CeGaT Center for Human Genetics Tuebingen
Classification: Likely benign. Last evaluated: 2026-03-01. Review status: criteria provided, single submitter. Criteria: CeGaT Center For Human Genetics Tuebingen Variant Classification Criteria Version 2. Collection method: clinical testing. Allele origin: germline. Affected: yes. Observed: 2 variant alleles.
Comment: KIF1A: BP4, BP7

Labcorp Genetics (formerly Invitae), Labcorp
Classification: Likely benign for Hereditary spastic paraplegia 30; Neuropathy, hereditary sensory, type 2C; Intellectual disability, autosomal dominant 9. Last evaluated: 2025-07-27. Review status: criteria provided, single submitter. Criteria: Invitae Variant Classification Sherloc (09022015). Collection method: clinical testing. Allele origin: germline.

Ambry Genetics
Classification: Likely benign for Inborn genetic diseases. Last evaluated: 2017-01-23. Review status: criteria provided, single submitter. Criteria: Ambry Variant Classification Scheme 2023. Collection method: clinical testing. Allele origin: germline.

NM_001244008.2(KIF1A):c.927C>T (p.Ser309=)

Gene: KIF1A (kinesin family member 1A; minus strand). Cytogenetic location: 2q37.3.
Variant type: single nucleotide variant.
Coding change: c.927C>T on transcript NM_001244008.2 (MANE Select); coding-DNA position 927, C replaced by T.
Protein change: p.Ser309=; no amino-acid change (serine 309 retained).
Molecular consequence: synonymous variant.
Genome position (GRCh38, 1-based): chr2:240,775,882, G>A on the plus strand (C>T on the coding strand, the complement: KIF1A is on the minus strand). VCF-style: chr2-240775882-G-A. GRCh37 (hg19) VCF-style: chr2-241715299-G-A.
Other names: c.927C>T, p.Ser309= (NM_001320705.2, NM_001330289.2, NM_001330290.2 and 20 more transcripts).
Identifiers: ClinVar variation 588703 (VCV000588703.36), dbSNP rs748423559, ClinGen allele CA2208593.